The following is an entry in ClinVar:

NM_001288705.3(CSF1R):c.104G>A (p.Gly35Glu)

Gene: CSF1R (colony stimulating factor 1 receptor; minus strand). Cytogenetic location: 5q32.
Variant type: single nucleotide variant.
Coding change: c.104G>A on transcript NM_001288705.3 (MANE Select); coding-DNA position 104, G replaced by A.
Protein change: p.Gly35Glu; replaces glycine 35 with glutamic acid.
Molecular consequence: missense variant. On other transcripts: 5 prime UTR variant (1), non-coding transcript variant (2).
Genome position (GRCh38, 1-based): chr5:150,080,970, C>T on the plus strand (G>A on the coding strand, the complement: CSF1R is on the minus strand). VCF-style: chr5-150080970-C-T. GRCh37 (hg19) VCF-style: chr5-149460533-C-T.
Other names: c.104G>A, p.Gly35Glu (NM_001349736.2, NM_001375320.1, NM_005211.4); c.-341G>A (NM_001375321.1); short protein forms G35E.
Identifiers: ClinVar variation 2172916 (VCV002172916.5), dbSNP rs1397361181, ClinGen allele CA361737717.

ClinVar aggregate classification (germline): Uncertain significance. Review status: criteria provided, multiple submitters, no conflicts (2 of 4 stars). 2 submissions from 2 submitters: Uncertain significance (2). Last evaluated 2024-10-23.

gnomAD v4.1: 2 of 1,614,120 alleles (0.00012%); highest among the groups gnomAD compares: Middle Eastern, 0.017%; no homozygotes.

Submissions (2):

Labcorp Genetics (formerly Invitae), Labcorp
Classification: Uncertain significance. Last evaluated: 2024-10-23. Review status: criteria provided, single submitter. Criteria: Invitae Variant Classification Sherloc (09022015). Collection method: clinical testing. Allele origin: germline.
Comment: This sequence change replaces glycine, which is neutral and non-polar, with glutamic acid, which is acidic and polar, at codon 35 of the CSF1R protein (p.Gly35Glu). This variant is not present in population databases (gnomAD no frequency). This variant has not been reported in the literature in individuals affected with CSF1R-related conditions. ClinVar contains an entry for this variant (Variation ID: 2172916). Invitae Evidence Modeling of protein sequence and biophysical properties (such as structural, functional, and spatial information, amino acid conservation, physicochemical variation, residue mobility, and thermodynamic stability) indicates that this missense variant is not expected to disrupt CSF1R protein function with a negative predictive value of 95%. In summary, the available evidence is currently insufficient to determine the role of this variant in disease. Therefore, it has been classified as a Variant of Uncertain Significance.

Blueprint Genetics
Classification: Uncertain significance. Last evaluated: 2024-04-23. Review status: criteria provided, single submitter. Criteria: ACMG Guidelines, 2015. Collection method: clinical testing. Allele origin: germline.